The following is an entry in ClinVar:

ClinVar aggregate classification (germline): Uncertain significance. Review status: criteria provided, multiple submitters, no conflicts (2 of 4 stars). 2 submissions from 2 submitters: Uncertain significance (2). Last evaluated 2021-08-14.

Conditions:
Inborn genetic diseases. Identifiers: MedGen C0950123, MeSH D030342.

Allele frequency attached by ClinVar (database versions not stated): ExAC 0.00001; gnomAD exomes 0.00001 and 0.00002.
gnomAD v4.1: 27 of 1,585,318 alleles (0.0017%); highest among the groups gnomAD compares: Non-Finnish European, 0.0023%; no homozygotes.

Submissions (2):

Labcorp Genetics (formerly Invitae), Labcorp
Classification: Uncertain significance. Last evaluated: 2021-08-14. Review status: criteria provided, single submitter. Criteria: Invitae Variant Classification Sherloc (09022015). Collection method: clinical testing. Allele origin: germline.
Comment: This sequence change replaces glycine with arginine at codon 89 of the CAD protein (p.Gly89Arg). The glycine residue is moderately conserved and there is a moderate physicochemical difference between glycine and arginine. This variant is present in population databases (rs765611426, ExAC 0.002%). This variant has not been reported in the literature in individuals affected with CAD-related conditions. Algorithms developed to predict the effect of missense changes on protein structure and function are either unavailable or do not agree on the potential impact of this missense change (SIFT: "Tolerated"; PolyPhen-2: "Possibly Damaging"; Align-GVGD: "Class C0"). In summary, the available evidence is currently insufficient to determine the role of this variant in disease. Therefore, it has been classified as a Variant of Uncertain Significance.

Ambry Genetics
Classification: Uncertain significance for Inborn genetic diseases. Last evaluated: 2021-07-20. Review status: criteria provided, single submitter. Criteria: Ambry Variant Classification Scheme 2023. Collection method: clinical testing. Allele origin: germline.

NM_004341.5(CAD):c.265G>A (p.Gly89Arg)

Gene: CAD (carbamoyl-phosphate synthetase 2, aspartate transcarbamylase, and dihydroorotase; plus strand). Cytogenetic location: 2p23.3.
Variant type: single nucleotide variant.
Coding change: c.265G>A on transcript NM_004341.5 (MANE Select); coding-DNA position 265, G replaced by A.
Protein change: p.Gly89Arg; replaces glycine 89 with arginine.
Molecular consequence: missense variant.
Genome position (GRCh38, 1-based): chr2:27,221,260, G>A. VCF-style: chr2-27221260-G-A. GRCh37 (hg19) VCF-style: chr2-27444128-G-A.
Other names: c.265G>A, p.Gly89Arg (NM_001306079.2); c.265G>A (NM_004341.3); short protein forms G89R.
Identifiers: ClinVar variation 1430956 (VCV001430956.6), dbSNP rs765611426, ClinGen allele CA1572367.